The following is an entry in ClinVar:

NM_001374385.1(ATP8B1):c.2818G>A (p.Gly940Ser)

Genes: ATP8B1 (ATPase phospholipid transporting 8B1; minus strand), ATP8B1-AS1 (ATP8B1 antisense RNA 1; plus strand). Cytogenetic location: 18q21.31.
Variant type: single nucleotide variant.
Coding change: c.2818G>A on transcript NM_001374385.1 (MANE Select); coding-DNA position 2818, G replaced by A.
Protein change: p.Gly940Ser; replaces glycine 940 with serine.
Molecular consequence: missense variant.
Genome position (GRCh38, 1-based): chr18:57,655,307, C>T on the plus strand (G>A on the coding strand, the complement: ATP8B1 is on the minus strand). VCF-style: chr18-57655307-C-T. GRCh37 (hg19) VCF-style: chr18-55322539-C-T.
Other names: c.2668G>A, p.Gly890Ser (NM_001374386.1); c.2818G>A, p.Gly940Ser (NM_005603.6); short protein forms G890S, G940S.
Identifiers: ClinVar variation 4803354 (VCV004803354.1).

ClinVar aggregate classification (germline): Uncertain significance (1 of 4 stars; one submission).

Submission:

Labcorp Genetics (formerly Invitae), Labcorp
Classification: Uncertain significance. Last evaluated: 2025-12-08. Review status: criteria provided, single submitter. Criteria: Invitae Variant Classification Sherloc (09022015). Collection method: clinical testing. Allele origin: germline.
Comment: This sequence change replaces glycine, which is neutral and non-polar, with serine, which is neutral and polar, at codon 940 of the ATP8B1 protein (p.Gly940Ser). This variant is not present in population databases (gnomAD no frequency). This variant has not been reported in the literature in individuals affected with ATP8B1-related conditions. Invitae Evidence Modeling of protein sequence and biophysical properties (such as structural, functional, and spatial information, amino acid conservation, physicochemical variation, residue mobility, and thermodynamic stability) indicates that this missense variant is expected to disrupt ATP8B1 protein function with a positive predictive value of 80%. In summary, the available evidence is currently insufficient to determine the role of this variant in disease. Therefore, it has been classified as a Variant of Uncertain Significance.